The following is an entry in ClinVar:

NM_024577.4(SH3TC2):c.2491_2492del (p.Leu832fs)

Gene: SH3TC2 (SH3 domain and tetratricopeptide repeats 2; minus strand). Cytogenetic location: 5q32.
Variant type: Microsatellite.
Coding change: c.2491_2492del on transcript NM_024577.4 (MANE Select); coding-DNA positions 2491 to 2492, 2 bases deleted (AG; older notation c.2491_2492delAG).
Protein change: p.Leu832fs; shifts the reading frame from leucine 832.
Molecular consequence: frameshift variant.
Genome position (GRCh38, 1-based): chr5:149,027,240-149,027,241, CT deleted on the plus strand (AG on the coding strand, the reverse complement: SH3TC2 is on the minus strand); deleting any 2 consecutive bases within chr5:149,027,240-149,027,245 gives the same sequence; the c. name uses the placement nearest the transcript's 3' end. VCF-style (leftmost placement, unchanged base first): chr5-149027239-ACT-A. GRCh37 (hg19) VCF-style: chr5-148406802-ACT-A.
Other names: p.Leu832HisfsTer8; c.2491_2492delAG (NM_024577.3); short protein forms L832fs.
Identifiers: ClinVar variation 21694 (VCV000021694.8), dbSNP rs80338929, ClinGen allele CA342379.

ClinVar aggregate classification (germline): Pathogenic. Review status: criteria provided, multiple submitters, no conflicts (2 of 4 stars). 3 submissions from 3 submitters: Pathogenic (2). 1 of the submissions does not count toward it. Last evaluated 2024-10-15.

Conditions:
Charcot-Marie-Tooth disease type 4C (CMT4C). Also called: CMT 4C; Charcot-Marie-Tooth Neuropathy Type 4C (CMT4C); SH3TC2-Related Hereditary Motor and Sensory Neuropathy; CHARCOT-MARIE-TOOTH DISEASE, DEMYELINATING, TYPE 4C; CHARCOT-MARIE-TOOTH DISEASE, DEMYELINATING, AUTOSOMAL RECESSIVE, TYPE 4C. Identifiers: Orphanet 99949, MedGen C1866636, MONDO:0011113, OMIM 601596.
Charcot-Marie-Tooth disease type 4. Also called: Charcot-Marie-Tooth, Type 4; Charcot-Marie-Tooth disease, type IV. Identifiers: Orphanet 64749, MedGen C4082197, MONDO:0018995.

Submissions (3):

Foundation for Research in Genetics and Endocrinology, FRIGE's Institute of Human Genetics
Classification: Pathogenic for Charcot-Marie-Tooth disease type 4C. Last evaluated: 2024-10-15. Review status: criteria provided, single submitter. Criteria: ACMG Guidelines, 2015. Collection method: clinical testing. Allele origin: germline. Inheritance: Autosomal recessive inheritance. Affected: yes. Observed: 1 homozygote.
Comment: A homozygous 2 base pair deletion in exon 11 of the SH3TC2 gene that results in a frameshift and premature truncation of the protein 8 amino acids downstream to codon 832 was detected. The observed variant has previously been reported in patients state affected with Charcot-Marie-Tooth disease. This variant has not been reported in the 1000 genomes and gnomAD (v2.1) databases and has a minor allele frequency of 0.00066%, 0.00076% and 0.00623% in the gnomAD (v3.1), topmed and our internal databases respectively. The in silico predictions# of the variant is damaging by MutationTaster2. The reference codon is conserved across species. In summary, the variant meets our criteria to be classified as variant of uncertain significance.

Labcorp Genetics (formerly Invitae), Labcorp
Classification: Pathogenic for Charcot-Marie-Tooth disease type 4. Last evaluated: 2023-03-09. Review status: criteria provided, single submitter. Criteria: Invitae Variant Classification Sherloc (09022015). Collection method: clinical testing. Allele origin: germline.
Comment: ClinVar contains an entry for this variant (Variation ID: 21694). This premature translational stop signal has been observed in individual(s) with Charcot-Marie-Tooth disease (PMID: 14574644). This variant is not present in population databases (gnomAD no frequency). This sequence change creates a premature translational stop signal (p.Leu832Hisfs*8) in the SH3TC2 gene. It is expected to result in an absent or disrupted protein product. Loss-of-function variants in SH3TC2 are known to be pathogenic (PMID: 20220177, 27068304). For these reasons, this variant has been classified as Pathogenic.

GeneReviews
No classification provided. Condition: Charcot-Marie-Tooth disease type 4C. Review status: no classification provided. Collection method: literature only. Allele origin: unknown. Not counted in ClinVar's aggregate classification.

Literature cited by the submitters: PubMed 14574644 (cited by Labcorp Genetics (formerly Invitae), Labcorp and GeneReviews); PubMed 20220177 (cited by Labcorp Genetics (formerly Invitae), Labcorp); PubMed 27068304 (cited by Labcorp Genetics (formerly Invitae), Labcorp); PubMed 20301514 (cited by GeneReviews); NCBI Bookshelf NBK1340 (cited by GeneReviews).